The following is an entry in ClinVar:

ClinVar aggregate classification (germline): Uncertain significance. Review status: criteria provided, multiple submitters, no conflicts (2 of 4 stars). 2 submissions from 2 submitters: Uncertain significance (2). Last evaluated 2026-02-17.

Conditions:
Inborn genetic diseases. Identifiers: MedGen C0950123, MeSH D030342.

Allele frequency attached by ClinVar (database versions not stated): gnomAD exomes below 0.00001; ExAC 0.00001; TOPMed 0.00001; gnomAD 0.00002; ESP Exome Variant Server 0.00008; 1000 Genomes Project 30x 0.00016; 1000 Genomes Project 0.00020.

Submissions (2):

Ambry Genetics
Classification: Uncertain significance for Inborn genetic diseases. Last evaluated: 2026-02-17. Review status: criteria provided, single submitter. Criteria: Ambry Variant Classification Scheme 2023. Collection method: clinical testing. Allele origin: germline.

Labcorp Genetics (formerly Invitae), Labcorp
Classification: Uncertain significance. Last evaluated: 2025-10-17. Review status: criteria provided, single submitter. Criteria: Invitae Variant Classification Sherloc (09022015). Collection method: clinical testing. Allele origin: germline.
Comment: This sequence change replaces serine, which is neutral and polar, with leucine, which is neutral and non-polar, at codon 779 of the KMT2A protein (p.Ser779Leu). This variant is not present in population databases (gnomAD no frequency). This variant has not been reported in the literature in individuals affected with KMT2A-related conditions. ClinVar contains an entry for this variant (Variation ID: 2993594). Invitae Evidence Modeling of protein sequence and biophysical properties (such as structural, functional, and spatial information, amino acid conservation, physicochemical variation, residue mobility, and thermodynamic stability) indicates that this missense variant is not expected to disrupt KMT2A protein function with a negative predictive value of 95%. In summary, the available evidence is currently insufficient to determine the role of this variant in disease. Therefore, it has been classified as a Variant of Uncertain Significance.

NM_001197104.2(KMT2A):c.2336C>T (p.Ser779Leu)

Gene: KMT2A (lysine methyltransferase 2A; plus strand). Cytogenetic location: 11q23.3.
Variant type: single nucleotide variant.
Coding change: c.2336C>T on transcript NM_001197104.2 (MANE Select); coding-DNA position 2336, C replaced by T.
Protein change: p.Ser779Leu; replaces serine 779 with leucine.
Molecular consequence: missense variant.
Genome position (GRCh38, 1-based): chr11:118,473,495, C>T. VCF-style: chr11-118473495-C-T. GRCh37 (hg19) VCF-style: chr11-118344210-C-T.
Other names: c.2435C>T, p.Ser812Leu (NM_001412597.1); c.2336C>T, p.Ser779Leu (NM_005933.4); short protein forms S779L, S812L.
Identifiers: ClinVar variation 2993594 (VCV002993594.4), dbSNP rs201960342, ClinGen allele CA6303504.